The following is an entry in ClinVar:

ClinVar aggregate classification (germline): Conflicting classifications of pathogenicity. Review status: criteria provided, conflicting classifications (1 of 4 stars). 2 submissions from 2 submitters: Likely pathogenic (1); Uncertain significance (1). Last evaluated 2023-12-13.

Conditions:
EPILEPSY, CHILDHOOD ABSENCE, SUSCEPTIBILITY TO, 2 (ECA2). Identifiers: Orphanet 64280, MedGen C1843244, OMIM 607681.
Febrile seizures, familial, 8 (FEB8). Also called: CONVULSIONS, FAMILIAL FEBRILE, 8. Identifiers: Orphanet 36387, MedGen C1969810, MONDO:0011891, OMIM 607681.

Submissions (2):

Labcorp Genetics (formerly Invitae), Labcorp
Classification: Likely pathogenic for Febrile seizures, familial, 8; EPILEPSY, CHILDHOOD ABSENCE, SUSCEPTIBILITY TO, 2. Last evaluated: 2023-12-13. Review status: criteria provided, single submitter. Criteria: Invitae Variant Classification Sherloc (09022015). Collection method: clinical testing. Allele origin: germline.
Comment: This sequence change replaces proline, which is neutral and non-polar, with threonine, which is neutral and polar, at codon 83 of the GABRG2 protein (p.Pro83Thr). This variant is not present in population databases (gnomAD no frequency). This missense change has been observed in individual(s) with GABRG2-related conditions (Invitae). ClinVar contains an entry for this variant (Variation ID: 1709680). Advanced modeling of protein sequence and biophysical properties (such as structural, functional, and spatial information, amino acid conservation, physicochemical variation, residue mobility, and thermodynamic stability) performed at Invitae indicates that this missense variant is expected to disrupt GABRG2 protein function with a positive predictive value of 95%. This variant disrupts the p.Pro83 amino acid residue in GABRG2. Other variant(s) that disrupt this residue have been determined to be pathogenic (PMID: 21714819). This suggests that this residue is clinically significant, and that variants that disrupt this residue are likely to be disease-causing. In summary, the currently available evidence indicates that the variant is pathogenic, but additional data are needed to prove that conclusively. Therefore, this variant has been classified as Likely Pathogenic.

MGZ Medical Genetics Center
Classification: Uncertain significance for Febrile seizures, familial, 8. Last evaluated: 2021-08-24. Review status: criteria provided, single submitter. Criteria: ACMG Guidelines, 2015. Collection method: clinical testing. Allele origin: germline. Affected: yes. Observed: 1 variant allele.
Comment: ACMG criteria applied: PM2_SUP, PP3

Literature cited by the submitters: PubMed 21714819 (cited by Labcorp Genetics (formerly Invitae), Labcorp).

NM_198904.4(GABRG2):c.247C>A (p.Pro83Thr)

Gene: GABRG2 (gamma-aminobutyric acid type A receptor subunit gamma2; plus strand). Cytogenetic location: 5q34.
Variant type: single nucleotide variant.
Coding change: c.247C>A on transcript NM_198904.4 (MANE Select); coding-DNA position 247, C replaced by A.
Protein change: p.Pro83Thr; replaces proline 83 with threonine.
Molecular consequence: missense variant. On other transcripts: 5 prime UTR variant (3).
Genome position (GRCh38, 1-based): chr5:162,093,967, C>A. VCF-style: chr5-162093967-C-A. GRCh37 (hg19) VCF-style: chr5-161520973-C-A.
Other names: c.247C>A, p.Pro83Thr (NM_000816.3, NM_001375340.1, NM_001375341.1 and 4 more transcripts); c.238C>A, p.Pro80Thr (NM_001375339.1); c.181C>A, p.Pro61Thr (NM_001375345.1, NM_001375346.1); c.160C>A, p.Pro54Thr (NM_001375347.1); c.-112C>A (NM_001375348.1, NM_001375350.1); c.-39C>A (NM_001375349.1); short protein forms P54T, P61T, P80T, P83T.
Identifiers: ClinVar variation 1709680 (VCV001709680.5), dbSNP rs587777365, ClinGen allele CA362183134.
Genomic context (GRCh38, chr5:162,093,967, plus strand): 5'-GAGGGTGATGTCACTGTCATCTTAAACAACCTGCTGGAAGGATATGACAATAAACTTCGG[C>A]CTGATATAGGAGGTTTGTTAAAGTCTTTTGCGTTGTGCTATAGATAGGAGCACATAAACA-3'
Protein context (NP_944494.1, residues 73-93): LLEGYDNKLR[Pro83Thr]DIGVKPTLIH